The following is an entry in ClinVar:

NM_017514.5(PLXNA3):c.2791A>C (p.Ser931Arg)

Gene: PLXNA3 (plexin A3; plus strand). Cytogenetic location: Xq28.
Variant type: single nucleotide variant.
Coding change: c.2791A>C on transcript NM_017514.5 (MANE Select); coding-DNA position 2791, A replaced by C.
Protein change: p.Ser931Arg; replaces serine 931 with arginine.
Molecular consequence: missense variant.
Genome position (GRCh38, 1-based): chrX:154,466,262, A>C. VCF-style: chrX-154466262-A-C. GRCh37 (hg19) VCF-style: chrX-153694605-A-C.
Other names: short protein forms S931R.
Identifiers: ClinVar variation 3348954 (VCV003348954.1).
Genomic context (GRCh38, chrX:154,466,262, plus strand): 5'-GTGGAGCTGTGTGTGGGTGACTGTTCAGCCGACTTCCGCACGCAGTCGGAGCAGGTCTAC[A>C]GCTTTGTGGTGCGTGGCTGCCGGCCCTACCCCTTCCTGTCCCTTCTCTCTCCCGCAAGGG-3'
Protein context (NP_059984.3, residues 921-941): DFRTQSEQVY[Ser931Arg]FVTPTFDQVS

ClinVar aggregate classification (germline): Uncertain significance (0 of 4 stars; one submission).

Conditions:
PLXNA3-related disorder. Also called: PLXNA3-related condition.

Submission:

PreventionGenetics, part of Exact Sciences
Classification: Uncertain significance for PLXNA3-related condition. Last evaluated: 2023-12-11. Review status: no assertion criteria provided. Collection method: clinical testing. Allele origin: germline.
Comment: The PLXNA3 c.2791A>C variant is predicted to result in the amino acid substitution p.Ser931Arg. To our knowledge, this variant has not been reported in the literature or in a large population database, indicating this variant is rare. At this time, the clinical significance of this variant is uncertain due to the absence of conclusive functional and genetic evidence.